The following is an entry in ClinVar:

NM_001429.4(EP300):c.4214G>A (p.Arg1405His)

Gene: EP300 (EP300 lysine acetyltransferase; plus strand). Cytogenetic location: 22q13.2.
Variant type: single nucleotide variant.
Coding change: c.4214G>A on transcript NM_001429.4 (MANE Select); coding-DNA position 4214, G replaced by A.
Protein change: p.Arg1405His; replaces arginine 1405 with histidine.
Molecular consequence: missense variant.
Genome position (GRCh38, 1-based): chr22:41,169,544, G>A. VCF-style: chr22-41169544-G-A. GRCh37 (hg19) VCF-style: chr22-41565548-G-A.
Other names: c.4136G>A, p.Arg1379His (NM_001362843.2); short protein forms R1405H, R1379H.
Identifiers: ClinVar variation 444590 (VCV000444590.50), dbSNP rs138855106, ClinGen allele CA10253374.

ClinVar aggregate classification (germline): Conflicting classifications of pathogenicity. Review status: criteria provided, conflicting classifications (1 of 4 stars). 5 submissions from 5 submitters: Uncertain significance (1); Likely benign (2). 2 of the submissions do not count toward it. Last evaluated 2025-10-31.

Conditions:
EP300-related disorder. Also called: EP300-related disorders; EP300-related condition.
Inborn genetic diseases. Identifiers: MedGen C0950123, MeSH D030342.
Rubinstein-Taybi syndrome due to EP300 haploinsufficiency. Also called: RUBINSTEIN-TAYBI SYNDROME 2; EP300-Related Rubinstein-Taybi Syndrome. Identifiers: Orphanet 353284, Orphanet 783, MedGen C3150941, MONDO:0013364, OMIM 613684.
Intellectual disability. Also called: intellectual disabilities; Intellectual functioning disability; Intellectual developmental disorder. Identifiers: MedGen C3714756, MeSH D008607, MONDO:0001071, HP:0001249.

Allele frequency attached by ClinVar (database versions not stated): gnomAD exomes 0.00003 and 0.00012; gnomAD 0.00005 and 0.00006; ESP Exome Variant Server 0.00008; TOPMed 0.00008; ExAC 0.00012.
gnomAD v4.1: 53 of 1,609,330 alleles (0.0033%); highest among the groups gnomAD compares: Admixed American, 0.033%; no homozygotes.

Submissions (5):

Labcorp Genetics (formerly Invitae), Labcorp
Classification: Likely benign for Rubinstein-Taybi syndrome due to EP300 haploinsufficiency. Last evaluated: 2025-10-31. Review status: criteria provided, single submitter. Criteria: Invitae Variant Classification Sherloc (09022015). Collection method: clinical testing. Allele origin: germline.

Ambry Genetics
Classification: Likely benign for Inborn genetic diseases. Last evaluated: 2022-04-25. Review status: criteria provided, single submitter. Criteria: Ambry Variant Classification Scheme 2023. Collection method: clinical testing. Allele origin: germline.

CeGaT Center for Human Genetics Tuebingen
Classification: Uncertain significance. Last evaluated: 2017-06-01. Review status: criteria provided, single submitter. Criteria: CeGaT Center For Human Genetics Tuebingen Variant Classification Criteria Version 2. Collection method: clinical testing. Allele origin: germline. Affected: yes. Observed: 1 variant allele.

PreventionGenetics, part of Exact Sciences
Classification: Likely benign for EP300-related condition. Last evaluated: 2022-06-23. Review status: no assertion criteria provided. Collection method: clinical testing. Allele origin: germline. Not counted in ClinVar's aggregate classification.
Comment: This variant is classified as likely benign based on ACMG/AMP sequence variant interpretation guidelines (Richards et al. 2015 PMID: 25741868, with internal and published modifications).

Centre de Biologie Pathologie Génétique, Centre Hospitalier Universitaire de Lille
Classification: Likely benign for Intellectual disability. Last evaluated: 2019-01-01. Review status: no assertion criteria provided. Collection method: clinical testing. Allele origin: inherited. Affected: yes. Not counted in ClinVar's aggregate classification.